The following is an entry in ClinVar:

ClinVar aggregate classification (germline): Uncertain significance (1 of 4 stars; one submission).

Conditions:
Charcot-Marie-Tooth disease dominant intermediate E. Also called: CHARCOT-MARIE-TOOTH NEUROPATHY WITH FOCAL SEGMENTAL GLOMERULONEPHRITIS. Identifiers: Orphanet 93114, MedGen C4302667, MONDO:0013758, OMIM 614455.
Focal segmental glomerulosclerosis 5 (FSGS5). Identifiers: Orphanet 656, MedGen C2750475, MONDO:0013191, OMIM 613237.

Allele frequency attached by ClinVar (database versions not stated): gnomAD exomes below 0.00001; ExAC 0.00001.
gnomAD v4.1: 1 of 1,604,168 alleles (0.000062%); highest among the groups gnomAD compares: Non-Finnish European, 0.000085%; no homozygotes.

Submission:

Labcorp Genetics (formerly Invitae), Labcorp
Classification: Uncertain significance for Charcot-Marie-Tooth disease dominant intermediate E; Focal segmental glomerulosclerosis 5. Last evaluated: 2023-05-13. Review status: criteria provided, single submitter. Criteria: Invitae Variant Classification Sherloc (09022015). Collection method: clinical testing. Allele origin: germline.
Comment: This sequence change affects codon 283 of the INF2 mRNA. It is a 'silent' change, meaning that it does not change the encoded amino acid sequence of the INF2 protein. The frequency data for this variant in the population databases is considered unreliable, as metrics indicate poor data quality at this position in the gnomAD database. This variant has not been reported in the literature in individuals affected with INF2-related conditions. Algorithms developed to predict the effect of sequence changes on RNA splicing suggest that this variant may create or strengthen a splice site. In summary, the available evidence is currently insufficient to determine the role of this variant in disease. Therefore, it has been classified as a Variant of Uncertain Significance.

NM_022489.4(INF2):c.849C>T (p.Ser283=)

Gene: INF2 (inverted formin 2; plus strand). Cytogenetic location: 14q32.33.
Variant type: single nucleotide variant.
Coding change: c.849C>T on transcript NM_022489.4 (MANE Select); coding-DNA position 849, C replaced by T.
Protein change: p.Ser283=; no amino-acid change (serine 283 retained).
Molecular consequence: synonymous variant.
Genome position (GRCh38, 1-based): chr14:104,706,915, C>T. VCF-style: chr14-104706915-C-T. GRCh37 (hg19) VCF-style: chr14-105173252-C-T.
Other names: c.849C>T, p.Ser283= (NM_001031714.4, NM_001426862.1, NM_001426863.1 and 2 more transcripts).
Identifiers: ClinVar variation 2940681 (VCV002940681.3), dbSNP rs764824932, ClinGen allele CA7372450.